The following is an entry in ClinVar:

ClinVar aggregate classification (germline): Conflicting classifications of pathogenicity. Review status: criteria provided, conflicting classifications (1 of 4 stars). 7 submissions from 7 submitters: Uncertain significance (6); Likely benign (1). Last evaluated 2025-09-28.

Conditions:
Intellectual disability, autosomal dominant 16 (CSS4). Also called: COFFIN-SIRIS SYNDROME 4. Identifiers: Orphanet 1465, MedGen C3553249, MONDO:0013821, OMIM 614609.
Hereditary cancer-predisposing syndrome. Also called: Tumor predisposition; Hereditary neoplastic syndrome; Neoplastic Syndromes, Hereditary; Hereditary Cancer Syndrome. Identifiers: Orphanet 140162, MedGen C0027672, MeSH D009386, MONDO:0015356.
Rhabdoid tumor predisposition syndrome 2 (RTPS2). Identifiers: Orphanet 231108, Orphanet 69077, MedGen C2750074, MONDO:0013224, OMIM 613325.

Allele frequency attached by ClinVar (database versions not stated): gnomAD exomes below 0.00001; TOPMed 0.00001.
gnomAD v4.1: 3 of 1,612,372 alleles (0.00019%); no homozygotes.

Submissions (7):

Labcorp Genetics (formerly Invitae), Labcorp
Classification: Uncertain significance for Rhabdoid tumor predisposition syndrome 2. Last evaluated: 2025-09-28. Review status: criteria provided, single submitter. Criteria: Invitae Variant Classification Sherloc (09022015). Collection method: clinical testing. Allele origin: germline.
Comment: This sequence change replaces glycine, which is neutral and non-polar, with alanine, which is neutral and non-polar, at codon 264 of the SMARCA4 protein (p.Gly264Ala). This variant is not present in population databases (gnomAD no frequency). This variant has not been reported in the literature in individuals affected with SMARCA4-related conditions. ClinVar contains an entry for this variant (Variation ID: 212261). An algorithm developed to predict the effect of missense changes on protein structure and function (PolyPhen-2) suggests that this variant is likely to be disruptive. In summary, the available evidence is currently insufficient to determine the role of this variant in disease. Therefore, it has been classified as a Variant of Uncertain Significance.

Baylor Genetics
Classification: Uncertain significance for Rhabdoid tumor predisposition syndrome 2. Last evaluated: 2023-09-20. Review status: criteria provided, single submitter. Criteria: ACMG Guidelines, 2015. Collection method: clinical testing. Allele origin: unknown.

Genome-Nilou Lab
Classification: Uncertain significance for Intellectual disability, autosomal dominant 16. Last evaluated: 2021-07-15. Review status: criteria provided, single submitter. Criteria: ACMG Guidelines, 2015. Collection method: clinical testing. Allele origin: germline. Affected: no.

Sema4
Classification: Uncertain significance for Hereditary cancer-predisposing syndrome. Last evaluated: 2021-06-18. Review status: criteria provided, single submitter. Criteria: Sema4 Curation Guidelines. Collection method: curation. Allele origin: germline.
Comment: The SMARCA4 c.791G>C (p.G264A) variant has not been reported in the literature to our knowledge. It was observed in 1/112890 chromosomes Non-Finnish European subpopulation in the large and broad cohorts of the Genome Aggregation Database (PMID: 32461654). The variant has been reported in ClinVar (Variation ID: 212261). In silico tools suggest the impact of the variant on protein function is inconclusive, though these predictions have not been confirmed by functional studies. The evidence is insufficient to meet ACMG/AMP criteria for classifying the variant as benign or pathogenic. Thus, the clinical significance of this variant is currently uncertain.

Ambry Genetics
Classification: Likely benign for Hereditary cancer-predisposing syndrome. Last evaluated: 2021-04-16. Review status: criteria provided, single submitter. Criteria: Ambry Variant Classification Scheme 2023. Collection method: clinical testing. Allele origin: germline.

Genetic Services Laboratory, University of Chicago
Classification: Uncertain significance. Last evaluated: 2015-06-29. Review status: criteria provided, single submitter. Criteria: ACMG Guidelines, 2015. Collection method: clinical testing. Allele origin: germline.

Breakthrough Genomics
Classification: Uncertain significance. Review status: criteria provided, single submitter. Criteria: ACMG Guidelines, 2015. Collection method: not provided. Allele origin: germline. Inheritance: Autosomal dominant inheritance. Affected: yes.

NM_003072.5(SMARCA4):c.791G>C (p.Gly264Ala)

Gene: SMARCA4 (SWI/SNF related BAF chromatin remodeling complex subunit ATPase 4; plus strand). Cytogenetic location: 19p13.2.
Variant type: single nucleotide variant.
Coding change: c.791G>C on transcript NM_003072.5 (MANE Select); coding-DNA position 791, G replaced by C.
Protein change: p.Gly264Ala; replaces glycine 264 with alanine.
Molecular consequence: missense variant. On other transcripts: non-coding transcript variant (1).
Genome position (GRCh38, 1-based): chr19:10,986,935, G>C. VCF-style: chr19-10986935-G-C. GRCh37 (hg19) VCF-style: chr19-11097611-G-C.
Other names: c.791G>C, p.Gly264Ala (NM_001128844.3, NM_001128845.2, NM_001128846.2 and 5 more transcripts); short protein forms G264A.
Identifiers: ClinVar variation 212261 (VCV000212261.20), dbSNP rs797045988, ClinGen allele CA206085.
Genomic context (GRCh38, chr19:10,986,935, plus strand): 5'-GTTTTCTCTTTTGTTTCTCCCTACATGTAGGTATGGGAGGGCCCAACATGCCTCCCCCAG[G>C]ACCCTCGGGCGTGCCCCCCGGGATGCCAGGCCAGCCTCCTGGAGGGCCTCCCAAGCCCTG-3'
Protein context (NP_003063.2, residues 254-274): GMGGPNMPPP[Gly264Ala]PSGVPPGMPG